The following is an entry in ClinVar:

ClinVar aggregate classification (germline): Uncertain significance (1 of 4 stars; one submission).

Allele frequency attached by ClinVar (database versions not stated): ExAC 0.00002; gnomAD 0.00003; TOPMed 0.00004.

Submission:

Labcorp Genetics (formerly Invitae), Labcorp
Classification: Uncertain significance. Last evaluated: 2023-07-07. Review status: criteria provided, single submitter. Criteria: Invitae Variant Classification Sherloc (09022015). Collection method: clinical testing. Allele origin: germline.
Comment: In summary, the available evidence is currently insufficient to determine the role of this variant in disease. Therefore, it has been classified as a Variant of Uncertain Significance. Advanced modeling of protein sequence and biophysical properties (such as structural, functional, and spatial information, amino acid conservation, physicochemical variation, residue mobility, and thermodynamic stability) has been performed at Invitae for this missense variant, however the output from this modeling did not meet the statistical confidence thresholds required to predict the impact of this variant on NDUFAF1 protein function. This variant has not been reported in the literature in individuals affected with NDUFAF1-related conditions. This variant is present in population databases (rs770269434, gnomAD 0.01%). This sequence change replaces valine, which is neutral and non-polar, with methionine, which is neutral and non-polar, at codon 303 of the NDUFAF1 protein (p.Val303Met).

NM_016013.4(NDUFAF1):c.907G>A (p.Val303Met)

Gene: NDUFAF1 (NADH:ubiquinone oxidoreductase complex assembly factor 1; minus strand). Cytogenetic location: 15q15.1.
Variant type: single nucleotide variant.
Coding change: c.907G>A on transcript NM_016013.4 (MANE Select); coding-DNA position 907, G replaced by A.
Protein change: p.Val303Met; replaces valine 303 with methionine.
Molecular consequence: missense variant. On other transcripts: non-coding transcript variant (1).
Genome position (GRCh38, 1-based): chr15:41,387,521, C>T on the plus strand (G>A on the coding strand, the complement: NDUFAF1 is on the minus strand). VCF-style: chr15-41387521-C-T. GRCh37 (hg19) VCF-style: chr15-41679719-C-T.
Other names: short protein forms V303M.
Identifiers: ClinVar variation 2895206 (VCV002895206.3), dbSNP rs770269434, ClinGen allele CA7491197.